The following is an entry in ClinVar:

NM_000558.5(HBA1):c.150C>A (p.Ser50Arg)

Genes: HBA1 (hemoglobin subunit alpha 1; plus strand), LOC106804613 (hemoglobin subunit alpha 1 recombination region; plus strand). Cytogenetic location: 16p13.3.
Variant type: single nucleotide variant.
Coding change: c.150C>A on transcript NM_000558.5 (MANE Select); coding-DNA position 150, C replaced by A.
Protein change: p.Ser50Arg; replaces serine 50 with arginine.
Molecular consequence: missense variant.
Genome position (GRCh38, 1-based): chr16:176,983, C>A. VCF-style: chr16-176983-C-A. GRCh37 (hg19) VCF-style: chr16-226982-C-A.
Other names: c.150C>A (NM_000558.3); short protein forms S50R.
Identifiers: ClinVar variation 993349 (VCV000993349.11), dbSNP rs1318437795, ClinGen allele CA393995131.

ClinVar aggregate classification (germline): Conflicting classifications of pathogenicity. Review status: criteria provided, conflicting classifications (1 of 4 stars). 3 submissions from 3 submitters: Uncertain significance (1); Likely benign (1). 1 of the submissions does not count toward it. Last evaluated 2025-07-30.

Conditions:
alpha Thalassemia. Also called: Alpha thalassemia spectrum. Identifiers: Orphanet 846, MedGen C0002312, MONDO:0011399, OMIM 604131.

Allele frequency attached by ClinVar (database versions not stated): TOPMed below 0.00001.

Submissions (3):

ARUP Laboratories, Molecular Genetics and Genomics, ARUP Laboratories
Classification: Likely benign. Last evaluated: 2025-07-30. Review status: criteria provided, single submitter. Criteria: ARUP Molecular Germline Variant Investigation Process 2024. Collection method: clinical testing. Allele origin: germline.
Comment: The HBA1 c.150C>A; p.Ser50Arg variant (also known as p.Ser49Arg when numbered from the mature protein, rs1318437795), to our knowledge, is not reported in the medical literature but is reported in ClinVar (Variation ID: 993349). Three other variants that cause the same amino acid substitution in HBA2 (Hb Savaria, c.148A>C, c.150C>A, c.150C>G, HbVar ID: 70) have been reported in heterozygous individuals without clinical symptoms, with the variant protein exhibiting normal stability and oxygen affinity (HbVar database, Tran Houangkeo 2016, Keikhaei 2018, Zhang 2019). The HBA1 c.150C>A variant is absent from the Genome Aggregation Database (v2.1.1), indicating it is not a common polymorphism. Computational analyses are uncertain whether this variant is neutral or deleterious (REVEL: 0.665). Based on available information, this variant is considered to likely benign. References: Link to HbVar database: Keikhaei et al. Genetics of Iranian Alpha-Thalassemia Patients: A Comprehensive Original Study. Biochem Genet. 2018 Oct;56(5):506-521. PMID: 29627922. Tran Houangkeo TH et al. Hb Savaria [a49(CE7)Ser>Arg; HBA2: c.150C > A]: A New Case and Complete Description. Hemoglobin. 2016 Aug;40(4):267-9. PMID: 27221333. Zhang et al. Next-generation sequencing improves molecular epidemiological characterization of thalassemia in Chenzhou Region, P.R. China. J Clin Lab Anal. 2019 May;33(4):e22845. PMID: 30809867.

Quest Diagnostics Nichols Institute San Juan Capistrano
Classification: Uncertain significance. Last evaluated: 2024-03-20. Review status: criteria provided, single submitter. Criteria: Quest Diagnostics criteria. Collection method: clinical testing. Allele origin: unknown.
Comment: The HBA1 c.150C>A (p.Ser50Arg) variant has not been reported in individuals with HBA1-related conditions in the published literature. It also has not been reported in large, multi-ethnic general populations (Genome Aggregation Database). Analysis of this variant using bioinformatics tools for the prediction of the effect of amino acid changes on protein structure and function yielded conflicting predictions that this variant is benign or damaging. Based on the available information, we are unable to determine the clinical significance of this variant.

Natera, Inc.
Classification: Uncertain significance for Alpha thalassemia. Last evaluated: 2020-12-03. Review status: no assertion criteria provided. Collection method: clinical testing. Allele origin: germline. Not counted in ClinVar's aggregate classification.